The following is an entry in ClinVar:

ClinVar aggregate classification (germline): Pathogenic (1 of 4 stars; one submission).

Conditions:
Glycogen storage disease type III (GSD3). Also called: FORBES DISEASE; Cori disease. Identifiers: Orphanet 366, MedGen C0017922, MONDO:0009291, OMIM 232400.

Submission:

Labcorp Genetics (formerly Invitae), Labcorp
Classification: Pathogenic for Glycogen storage disease type III. Last evaluated: 2024-02-18. Review status: criteria provided, single submitter. Criteria: Invitae Variant Classification Sherloc (09022015). Collection method: clinical testing. Allele origin: germline.
Comment: This sequence change creates a premature translational stop signal (p.Tyr1006*) in the AGL gene. It is expected to result in an absent or disrupted protein product. Loss-of-function variants in AGL are known to be pathogenic (PMID: 19299494). This variant is not present in population databases (gnomAD no frequency). This variant has not been reported in the literature in individuals affected with AGL-related conditions. For these reasons, this variant has been classified as Pathogenic.

Literature cited by the submitters: PubMed 19299494.

NM_000642.3(AGL):c.3018C>G (p.Tyr1006Ter)

Gene: AGL (amylo-alpha-1,6-glucosidase and 4-alpha-glucanotransferase; plus strand). Cytogenetic location: 1p21.2.
Variant type: single nucleotide variant.
Coding change: c.3018C>G on transcript NM_000642.3 (MANE Select); coding-DNA position 3018, C replaced by G.
Protein change: p.Tyr1006Ter; replaces tyrosine 1006 with a stop codon.
Molecular consequence: nonsense.
Genome position (GRCh38, 1-based): chr1:99,891,674, C>G. VCF-style: chr1-99891674-C-G. GRCh37 (hg19) VCF-style: chr1-100357230-C-G.
Other names: c.3018C>G, p.Tyr1006Ter (NM_000028.3, NM_000643.3, NM_000644.3 and 1 more transcripts); c.2970C>G, p.Tyr990Ter (NM_000646.3); c.2997C>G, p.Tyr999Ter (NM_001425326.1); c.2817C>G, p.Tyr939Ter (NM_001425327.1); c.2814C>G, p.Tyr938Ter (NM_001425328.1); c.2679C>G, p.Tyr893Ter (NM_001425329.1); c.2640C>G, p.Tyr880Ter (NM_001425332.1); short protein forms Y990*, Y880*, Y893*, Y939*, Y999*, Y1006*, Y938*.
Identifiers: ClinVar variation 3641188 (VCV003641188.2).